The following is an entry in ClinVar:

ClinVar aggregate classification (germline): Pathogenic/Likely pathogenic. Review status: criteria provided, multiple submitters, no conflicts (2 of 4 stars). 2 submissions from 2 submitters: Pathogenic (1); Likely pathogenic (1). Last evaluated 2025-05-18.

Conditions:
CR2-related disorder. Also called: CR2-related disorders; CR2-related condition.
Immunodeficiency, common variable, 7. Identifiers: Orphanet 1572, Orphanet 696894, MedGen C3542922, MONDO:0013862, OMIM 614699.

Allele frequency attached by ClinVar (database versions not stated): gnomAD 0.00001.

Submissions (2):

Labcorp Genetics (formerly Invitae), Labcorp
Classification: Pathogenic for Immunodeficiency, common variable, 7. Last evaluated: 2025-05-18. Review status: criteria provided, single submitter. Criteria: Invitae Variant Classification Sherloc (09022015). Collection method: clinical testing. Allele origin: germline.
Comment: This sequence change creates a premature translational stop signal (p.Arg368*) in the CR2 gene. It is expected to result in an absent or disrupted protein product. Loss-of-function variants in CR2 are known to be pathogenic (PMID: 26325596, 28499783). This variant is present in population databases (no rsID available, gnomAD 0.0009%). This variant has not been reported in the literature in individuals affected with CR2-related conditions. ClinVar contains an entry for this variant (Variation ID: 2917279). For these reasons, this variant has been classified as Pathogenic.

Blueprint Genetics
Classification: Likely pathogenic for CR2-related disorders. Last evaluated: 2022-05-04. Review status: criteria provided, single submitter. Criteria: ACMG Guidelines, 2015. Collection method: clinical testing. Allele origin: germline. Affected: yes. Observed: 1 variant allele.

Literature cited by the submitters: PubMed 26325596 (cited by Labcorp Genetics (formerly Invitae), Labcorp); PubMed 28499783 (cited by Labcorp Genetics (formerly Invitae), Labcorp).

NM_001006658.3(CR2):c.1102C>T (p.Arg368Ter)

Genes: CR2 (complement C3d receptor 2; plus strand), LOC126805994 (BRD4-independent group 4 enhancer GRCh37_chr1:207642622-207643821; plus strand). Cytogenetic location: 1q32.2.
Variant type: single nucleotide variant.
Coding change: c.1102C>T on transcript NM_001006658.3 (MANE Select); coding-DNA position 1102, C replaced by T.
Protein change: p.Arg368Ter; replaces arginine 368 with a stop codon.
Molecular consequence: nonsense.
Genome position (GRCh38, 1-based): chr1:207,469,979, C>T. VCF-style: chr1-207469979-C-T. GRCh37 (hg19) VCF-style: chr1-207643324-C-T.
Other names: c.1102C>T, p.Arg368Ter (NM_001877.5); short protein forms R368*.
Identifiers: ClinVar variation 2917279 (VCV002917279.4), dbSNP rs1161576814, ClinGen allele CA344529204.
Genomic context (GRCh38, chr1:207,469,979, plus strand): 5'-GCGGTTCAGTGTCCACATCCCCAGATCCTAAGAGGCCGAATGGTATCTGGGCAGAAAGAT[C>T]GATATACCTATAACGACACTGTGATATTTGCTTGCATGTTTGGCTTCACCTTGAAGGGCA-3'